The following is an entry in ClinVar:

NM_001267550.2(TTN):c.106517A>C (p.Lys35506Thr)

Genes: TTN-AS1 (TTN antisense RNA 1; plus strand), TTN (titin; minus strand). Cytogenetic location: 2q31.2.
Variant type: single nucleotide variant.
Coding change: c.106517A>C on transcript NM_001267550.2 (MANE Select); coding-DNA position 106517, A replaced by C.
Protein change: p.Lys35506Thr; replaces lysine 35506 with threonine.
Molecular consequence: missense variant.
Genome position (GRCh38, 1-based): chr2:178,529,974, T>G on the plus strand (A>C on the coding strand, the complement: TTN is on the minus strand). VCF-style: chr2-178529974-T-G. GRCh37 (hg19) VCF-style: chr2-179394701-T-G.
Other names: c.101594A>C, p.Lys33865Thr (NM_001256850.1); c.79322A>C, p.Lys26441Thr (NM_003319.4); c.98813A>C, p.Lys32938Thr (NM_133378.4); c.79697A>C, p.Lys26566Thr (NM_133432.3); c.79898A>C, p.Lys26633Thr (NM_133437.4); short protein forms K26441T, K26566T, K26633T, K32938T, K33865T, K35506T.
Identifiers: ClinVar variation 3748150 (VCV003748150.3).
Genomic context (GRCh38, chr2:178,529,974, plus strand): 5'-ATATTATCTTCTGAAGAAATGTGGGTAAAAACAAAAGCCAACCTACCTTTTATTGTTAAT[T>G]TGCAGCTAGAGGACACAGATCCAGCTGAATTTTTTACTGTACAAGTATAAAGTCCACTGT-3'
Protein context (NP_001254479.2, residues 35496-35516): NSAGSVSSSC[Lys35506Thr]LTIKAIKDTE

ClinVar aggregate classification (germline): Uncertain significance. Review status: criteria provided, multiple submitters, no conflicts (2 of 4 stars). 2 submissions from 2 submitters: Uncertain significance (2). Last evaluated 2025-11-11.

Conditions:
Dilated cardiomyopathy 1G (CMD1G). Identifiers: Orphanet 154, MedGen C1858763, MONDO:0011400, OMIM 604145.
Autosomal recessive limb-girdle muscular dystrophy type 2J (LGMDR10). Also called: Limb-girdle muscular dystrophy, type 2J; MUSCULAR DYSTROPHY, LIMB-GIRDLE, AUTOSOMAL RECESSIVE 10. Identifiers: Orphanet 140922, MedGen C1837342, MONDO:0012127, OMIM 608807.

gnomAD v4.1: 9 of 1,595,150 alleles (0.00056%); highest among the groups gnomAD compares: Non-Finnish European, 0.00068%; no homozygotes.

Submissions (2):

Women's Health and Genetics/Laboratory Corporation of America, LabCorp
Classification: Uncertain significance. Last evaluated: 2025-11-11. Review status: criteria provided, single submitter. Criteria: LabCorp Variant Classification Summary - May 2015. Collection method: clinical testing. Allele origin: germline.
Comment: Variant summary: TTN NM_133378 c.98813A>C (p.Lys32938Thr), also known as NM_001267550 c.106517A>C (p.Lys35506Thr), results in a non-conservative amino acid change located in the M band of the encoded protein sequence. Algorithms developed to predict the effect of missense changes on protein structure and function are either unavailable or do not agree on the potential impact of this missense change. The variant was absent in 235286 control chromosomes. The available data on variant occurrences in the general population are insufficient to allow any conclusion about variant significance. To our knowledge, no occurrence of c.98813A>C in individuals affected with TTN-related conditions and no experimental evidence demonstrating its impact on protein function have been reported. ClinVar contains an entry for this variant (Variation ID: 3748150). Based on the evidence outlined above, the variant was classified as uncertain significance.

Labcorp Genetics (formerly Invitae), Labcorp
Classification: Uncertain significance for Dilated cardiomyopathy 1G; Autosomal recessive limb-girdle muscular dystrophy type 2J. Last evaluated: 2024-12-19. Review status: criteria provided, single submitter. Criteria: Invitae Variant Classification Sherloc (09022015). Collection method: clinical testing. Allele origin: germline.
Comment: This sequence change replaces lysine, which is basic and polar, with threonine, which is neutral and polar, at codon 35506 of the TTN protein (p.Lys35506Thr). This variant is not present in population databases (gnomAD no frequency). This variant has not been reported in the literature in individuals affected with TTN-related conditions. Experimental studies and prediction algorithms are not available or were not evaluated, and the functional significance of this variant is currently unknown. This variant is located in the M band of TTN (PMID: 25589632). Non-truncating variants in this region may be relevant for neuromuscular disorders, but have not been definitively shown to cause cardiomyopathy (PMID: 23975875). In summary, the available evidence is currently insufficient to determine the role of this variant in disease. Therefore, it has been classified as a Variant of Uncertain Significance.

Literature cited by the submitters: PubMed 25589632 (cited by Labcorp Genetics (formerly Invitae), Labcorp); PubMed 23975875 (cited by Labcorp Genetics (formerly Invitae), Labcorp).